The following is an entry in ClinVar:

NC_000001.10:g.(?_150524765)_(150532672_?)dup

Gene: ADAMTSL4 (ADAMTS like 4; plus strand). Cytogenetic location: 1q21.3.
Variant type: Duplication.
Identifiers: ClinVar variation 2426504 (VCV002426504.2).

ClinVar aggregate classification (germline): Uncertain significance (1 of 4 stars; one submission).

Submission:

Labcorp Genetics (formerly Invitae), Labcorp
Classification: Uncertain significance. Last evaluated: 2022-05-05. Review status: criteria provided, single submitter. Criteria: Invitae Variant Classification Sherloc (09022015). Collection method: clinical testing. Allele origin: germline.
Comment: A copy number gain of the genomic region encompassing the full coding sequence of the ADAMTSL4 gene has been identified. The boundaries of this event are unknown as they extend beyond the assayed region for this gene and therefore may encompass additional genes. As the precise location of this event is unknown, it may be in tandem or it may be located elsewhere in the genome. This variant has not been reported in the literature in individuals affected with ADAMTSL4-related conditions. In summary, the available evidence is currently insufficient to determine the role of this variant in disease. Therefore, it has been classified as a Variant of Uncertain Significance.